The following is an entry in ClinVar:

NM_002857.4(PEX19):c.886T>C (p.Cys296Arg)

Gene: PEX19 (peroxisomal biogenesis factor 19; minus strand). Cytogenetic location: 1q23.2.
Variant type: single nucleotide variant.
Coding change: c.886T>C on transcript NM_002857.4 (MANE Select); coding-DNA position 886, T replaced by C.
Protein change: p.Cys296Arg; replaces cysteine 296 with arginine.
Molecular consequence: missense variant. On other transcripts: synonymous variant (1), non-coding transcript variant (2).
Genome position (GRCh38, 1-based): chr1:160,279,565, A>G on the plus strand (T>C on the coding strand, the complement: PEX19 is on the minus strand). VCF-style: chr1-160279565-A-G. GRCh37 (hg19) VCF-style: chr1-160249355-A-G.
Other names: c.834T>C, p.Ser278= (NM_001193644.1); c.886T>C (NM_002857.3); short protein forms C296R.
Identifiers: ClinVar variation 1046358 (VCV001046358.9), dbSNP rs1557853173, ClinGen allele CA343255067.

ClinVar aggregate classification (germline): Uncertain significance. Review status: criteria provided, multiple submitters, no conflicts (2 of 4 stars). 2 submissions from 2 submitters: Uncertain significance (2). Last evaluated 2025-05-25.

Conditions:
Peroxisome biogenesis disorder 12A (Zellweger). Also called: Peroxisome biogenesis disorder 12A. Identifiers: Orphanet 912, MedGen C3554002, MONDO:0013951, OMIM 614886.
Inborn genetic diseases. Identifiers: MedGen C0950123, MeSH D030342.

Allele frequency attached by ClinVar (database versions not stated): gnomAD exomes below 0.00001.

Submissions (2):

Ambry Genetics
Classification: Uncertain significance for Inborn genetic diseases. Last evaluated: 2025-05-25. Review status: criteria provided, single submitter. Criteria: Ambry Variant Classification Scheme 2023. Collection method: clinical testing. Allele origin: germline.

Labcorp Genetics (formerly Invitae), Labcorp
Classification: Uncertain significance for Peroxisome biogenesis disorder 12A (Zellweger). Last evaluated: 2024-04-15. Review status: criteria provided, single submitter. Criteria: Invitae Variant Classification Sherloc (09022015). Collection method: clinical testing. Allele origin: germline.
Comment: This sequence change replaces cysteine, which is neutral and slightly polar, with arginine, which is basic and polar, at codon 296 of the PEX19 protein (p.Cys296Arg). This variant is not present in population databases (gnomAD no frequency). This variant has not been reported in the literature in individuals affected with PEX19-related conditions. ClinVar contains an entry for this variant (Variation ID: 1046358). An algorithm developed to predict the effect of missense changes on protein structure and function (PolyPhen-2) suggests that this variant is likely to be disruptive. In summary, the available evidence is currently insufficient to determine the role of this variant in disease. Therefore, it has been classified as a Variant of Uncertain Significance.